The following is an entry in ClinVar:

ClinVar aggregate classification (germline): Uncertain significance. Review status: criteria provided, multiple submitters, no conflicts (2 of 4 stars). 2 submissions from 2 submitters: Uncertain significance (2). Last evaluated 2025-03-18.

Allele frequency attached by ClinVar (database versions not stated): gnomAD 0.00001; gnomAD exomes 0.00005; ExAC 0.00005.
gnomAD v4.1: 66 of 1,609,128 alleles (0.0041%); highest among the groups gnomAD compares: Non-Finnish European, 0.0053%; no homozygotes.

Submissions (2):

Ambry Genetics
Classification: Uncertain significance. Last evaluated: 2025-03-18. Review status: criteria provided, single submitter. Criteria: Ambry Variant Classification Scheme 2023. Collection method: clinical testing. Allele origin: germline.

Labcorp Genetics (formerly Invitae), Labcorp
Classification: Uncertain significance. Last evaluated: 2022-04-19. Review status: criteria provided, single submitter. Criteria: Invitae Variant Classification Sherloc (09022015). Collection method: clinical testing. Allele origin: germline.
Comment: This sequence change replaces threonine, which is neutral and polar, with isoleucine, which is neutral and non-polar, at codon 149 of the RASGRP1 protein (p.Thr149Ile). The frequency data for this variant in the population databases is considered unreliable, as metrics indicate poor data quality at this position in the gnomAD database. This variant has not been reported in the literature in individuals affected with RASGRP1-related conditions. Algorithms developed to predict the effect of missense changes on protein structure and function are either unavailable or do not agree on the potential impact of this missense change (SIFT: "Deleterious"; PolyPhen-2: "Benign"; Align-GVGD: "Class C0"). In summary, the available evidence is currently insufficient to determine the role of this variant in disease. Therefore, it has been classified as a Variant of Uncertain Significance.

NM_005739.4(RASGRP1):c.446C>T (p.Thr149Ile)

Gene: RASGRP1 (RAS guanyl releasing protein 1; minus strand). Cytogenetic location: 15q14.
Variant type: single nucleotide variant.
Coding change: c.446C>T on transcript NM_005739.4 (MANE Select); coding-DNA position 446, C replaced by T.
Protein change: p.Thr149Ile; replaces threonine 149 with isoleucine.
Molecular consequence: missense variant.
Genome position (GRCh38, 1-based): chr15:38,518,367, G>A on the plus strand (C>T on the coding strand, the complement: RASGRP1 is on the minus strand). VCF-style: chr15-38518367-G-A. GRCh37 (hg19) VCF-style: chr15-38810568-G-A.
Other names: c.446C>T, p.Thr149Ile (NM_001128602.2, NM_001306086.2); short protein forms T149I.
Identifiers: ClinVar variation 1952429 (VCV001952429.4), dbSNP rs201283825, ClinGen allele CA7471112.
Genomic context (GRCh38, chr15:38,518,367, plus strand): 5'-ATCAGGCGGCAATGTAACTCCTCACCCTTAGCTTTCACCAGTTCCTGAAACTCCTCCATA[G>A]TGTCTGTCAAGCTGGCGTCCATTTTAAACATGACCCAGAATTCTGTTATCCAATACCTAC-3'
Protein context (NP_005730.2, residues 139-159): MFKMDASLTD[Thr149Ile]MEEFQELVKA